The following is an entry in ClinVar:

ClinVar aggregate classification (germline): Uncertain significance (1 of 4 stars; one submission).

Submission:

Labcorp Genetics (formerly Invitae), Labcorp
Classification: Uncertain significance. Last evaluated: 2023-08-05. Review status: criteria provided, single submitter. Criteria: Invitae Variant Classification Sherloc (09022015). Collection method: clinical testing. Allele origin: germline.
Comment: In summary, the available evidence is currently insufficient to determine the role of this variant in disease. Therefore, it has been classified as a Variant of Uncertain Significance. Advanced modeling of protein sequence and biophysical properties (such as structural, functional, and spatial information, amino acid conservation, physicochemical variation, residue mobility, and thermodynamic stability) performed at Invitae indicates that this missense variant is not expected to disrupt ASXL2 protein function. This variant has not been reported in the literature in individuals affected with ASXL2-related conditions. This variant is not present in population databases (gnomAD no frequency). This sequence change replaces glutamine, which is neutral and polar, with proline, which is neutral and non-polar, at codon 547 of the ASXL2 protein (p.Gln547Pro).

NM_018263.6(ASXL2):c.1640A>C (p.Gln547Pro)

Gene: ASXL2 (ASXL transcriptional regulator 2; minus strand). Cytogenetic location: 2p23.3.
Variant type: single nucleotide variant.
Coding change: c.1640A>C on transcript NM_018263.6 (MANE Select); coding-DNA position 1640, A replaced by C.
Protein change: p.Gln547Pro; replaces glutamine 547 with proline.
Molecular consequence: missense variant.
Genome position (GRCh38, 1-based): chr2:25,749,916, T>G on the plus strand (A>C on the coding strand, the complement: ASXL2 is on the minus strand). VCF-style: chr2-25749916-T-G. GRCh37 (hg19) VCF-style: chr2-25972785-T-G.
Other names: c.1466A>C, p.Gln489Pro (NM_001369346.1); c.860A>C, p.Gln287Pro (NM_001369347.1); short protein forms Q547P, Q287P, Q489P.
Identifiers: ClinVar variation 2718999 (VCV002718999.3), dbSNP rs200858310, ClinGen allele CA346074964.